The following is an entry in ClinVar:

ClinVar aggregate classification (germline): Uncertain significance (1 of 4 stars; one submission).

gnomAD v4.1: 7 of 1,550,320 alleles (0.00045%); highest among the groups gnomAD compares: South Asian, 0.0071%; no homozygotes.

Submission:

GeneDx
Classification: Uncertain significance. Last evaluated: 2024-06-12. Review status: criteria provided, single submitter. Criteria: GeneDx Variant Classification Process June 2021. Collection method: clinical testing. Allele origin: germline. Affected: yes.
Comment: Not observed at significant frequency in large population cohorts (gnomAD); In silico analysis indicates that this missense variant does not alter protein structure/function; Has not been previously published as pathogenic or benign to our knowledge

NM_001367624.2(ZNF469):c.5560G>A (p.Gly1854Ser)

Gene: ZNF469 (zinc finger protein 469; plus strand). Cytogenetic location: 16q24.2.
Variant type: single nucleotide variant.
Coding change: c.5560G>A on transcript NM_001367624.2 (MANE Select); coding-DNA position 5560, G replaced by A.
Protein change: p.Gly1854Ser; replaces glycine 1854 with serine.
Molecular consequence: missense variant.
Genome position (GRCh38, 1-based): chr16:88,433,030, G>A. VCF-style: chr16-88433030-G-A. GRCh37 (hg19) VCF-style: chr16-88499438-G-A.
Other names: NM_001127464.1:c.5476G>A; short protein forms G1854S.
Identifiers: ClinVar variation 3390399 (VCV003390399.1).